The following is an entry in ClinVar:

ClinVar aggregate classification (germline): Pathogenic (0 of 4 stars; one submission).

Conditions:
Bohring-Opitz syndrome. Also called: C-LIKE SYNDROME; BOHRING SYNDROME; OPITZ TRIGONOCEPHALY-LIKE SYNDROME; ASXL1-Related Bohring-Opitz Syndrome. Identifiers: Orphanet 97297, MedGen C0796232, MONDO:0011510, OMIM 605039.

Submission:

Gene Discovery Core-Manton Center, Boston Children's Hospital
Classification: Pathogenic for Bohring-Opitz syndrome. Last evaluated: 2020-02-14. Review status: no assertion criteria provided. Collection method: research. Allele origin: de novo. Affected: yes.
Comment: This variant is interpretted as Pathogenic for Bohring-Opitz syndrome; Autosomal Dominant. PVS1 - null variant (nonsense, frameshift, canonical splice sites, initiation codon, single or multiexon deletion) in a gene where LOF is a known mechanism of disease. PS2 - De novo (both maternity and paternity confirmed) in a patient with the disease and no family history. PM2 - Absent from controls (or at extremely low frequency if recessive) in Exome Sequencing Project, 1000 Genomes Project, or Exome Aggregation Consortium. PP3 - Multiple lines of computational evidence support a deleterious effect on the gene or gene product.

NM_015338.6(ASXL1):c.2759_2762dup (p.Val922fs)

Gene: ASXL1 (ASXL transcriptional regulator 1; plus strand). Cytogenetic location: 20q11.21.
Variant type: Duplication.
Coding change: c.2759_2762dup on transcript NM_015338.6 (MANE Select); coding-DNA positions 2759 to 2762, 4 bases duplicated (CATC; older notation c.2759_2762dupCATC).
Protein change: p.Val922fs; shifts the reading frame from valine 922.
Molecular consequence: frameshift variant.
Genome position (GRCh38, 1-based): chr20:32,435,471-32,435,474, CATC duplicated; duplicating any 4 consecutive bases within chr20:32,435,470-32,435,474 gives the same sequence; the c. name uses the placement nearest the transcript's 3' end. VCF-style (leftmost placement, unchanged base first): chr20-32435469-A-ACCAT. GRCh37 (hg19) VCF-style: chr20-31023272-A-ACCAT.
Other names: c.2576_2579dup, p.Val861fs (NM_001363734.1); short protein forms V861fs, V922fs.
Identifiers: ClinVar variation 1188832 (VCV001188832.1), dbSNP rs2145372935, ClinGen allele CA2499225723.